The following is an entry in ClinVar:

ClinVar aggregate classification (germline): Pathogenic (1 of 4 stars; one submission).

Conditions:
Holocarboxylase synthetase deficiency. Also called: MULTIPLE CARBOXYLASE DEFICIENCY, EARLY ONSET. Identifiers: Orphanet 79242, MedGen C0268581, MONDO:0009666, OMIM 253270.

Submission:

Labcorp Genetics (formerly Invitae), Labcorp
Classification: Pathogenic for Holocarboxylase synthetase deficiency. Last evaluated: 2020-02-21. Review status: criteria provided, single submitter. Criteria: Invitae Variant Classification Sherloc (09022015). Collection method: clinical testing. Allele origin: germline.
Comment: This variant is an out-of-frame deletion of the genomic region encompassing exon 7 of the HLCS gene. This is expected to create a premature translational stop signal and result in an absent or disrupted protein product. This variant has not been reported in the literature in individuals with HLCS-related conditions. Loss-of-function variants in HLCS are known to be pathogenic (PMID: 16134170). For these reasons, this variant has been classified as Pathogenic.

Literature cited by the submitters: PubMed 16134170.

NC_000021.8:g.(?_38269140)_(38269451_?)del

Gene: HLCS (holocarboxylase synthetase; minus strand). Cytogenetic location: 21q22.13.
Variant type: Deletion.
Identifiers: ClinVar variation 1071012 (VCV001071012.1).